The following is an entry in ClinVar:

NM_001710.6(CFB):c.784G>A (p.Val262Ile)

Gene: CFB (complement factor B; plus strand). Cytogenetic location: 6p21.33.
Variant type: single nucleotide variant.
Coding change: c.784G>A on transcript NM_001710.6 (MANE Select); coding-DNA position 784, G replaced by A.
Protein change: p.Val262Ile; replaces valine 262 with isoleucine.
Molecular consequence: missense variant.
Genome position (GRCh38, 1-based): chr6:31,947,968, G>A. VCF-style: chr6-31947968-G-A. GRCh37 (hg19) VCF-style: chr6-31915745-G-A.
Other names: short protein forms V262I.
Identifiers: ClinVar variation 906166 (VCV000906166.11), dbSNP rs200645483, ClinGen allele CA3728158.
Genomic context (GRCh38, chr6:31,947,968, plus strand): 5'-TTAATGCTGGAGCCTGAGCCACTCTCCTGGCACCCAGGGGAACAACAGAAGCGGAAGATC[G>A]TCCTGGACCCTTCAGGCTCCATGAACATCTACCTGGTGCTAGATGGATCAGACAGCATTG-3'
Protein context (NP_001701.2, residues 252-272): GPGEQQKRKI[Val262Ile]LDPSGSMNIY

ClinVar aggregate classification (germline): Conflicting classifications of pathogenicity. Review status: criteria provided, conflicting classifications (1 of 4 stars). 3 submissions from 2 submitters: Uncertain significance (1); Likely benign (2). Last evaluated 2025-12-20.

Conditions:
Macular degeneration. Also called: Degenerative disorder of macula. Identifiers: MedGen C0024437, MONDO:0003004, HP:0000608.
Atypical hemolytic-uremic syndrome with B factor anomaly. Also called: HEMOLYTIC UREMIC SYNDROME, ATYPICAL, SUSCEPTIBILITY TO, 4; AHUS, SUSCEPTIBILITY TO, 4. Identifiers: Orphanet 2134, MedGen C2752038, MONDO:0013042, OMIM 612924.

Allele frequency attached by ClinVar (database versions not stated): ExAC 0.00004; gnomAD exomes 0.00005 and 0.00008; TOPMed 0.00006; gnomAD 0.00007.
gnomAD v4.1: 90 of 1,614,084 alleles (0.0056%); highest among the groups gnomAD compares: South Asian, 0.014%; no homozygotes.

Submissions (3):

Labcorp Genetics (formerly Invitae), Labcorp
Classification: Likely benign. Last evaluated: 2025-12-20. Review status: criteria provided, single submitter. Criteria: Invitae Variant Classification Sherloc (09022015). Collection method: clinical testing. Allele origin: germline.

Illumina Laboratory Services, Illumina
Classification: Uncertain significance for Macular degeneration. Last evaluated: 2018-01-13. Review status: criteria provided, single submitter. Criteria: ICSL Variant Classification Criteria 13 December 2019. Collection method: clinical testing. Allele origin: germline.

Illumina Laboratory Services, Illumina
Classification: Likely benign for Atypical hemolytic-uremic syndrome with B factor anomaly. Last evaluated: 2018-01-13. Review status: criteria provided, single submitter. Criteria: ICSL Variant Classification Criteria 13 December 2019. Collection method: clinical testing. Allele origin: germline.
Comment: This variant was observed in the ICSL laboratory as part of a predisposition screen in an ostensibly healthy population. It had not been previously curated by ICSL or reported in the Human Gene Mutation Database (HGMD: prior to June 1st, 2018), and was therefore a candidate for classification through an automated scoring system. Utilizing variant allele frequency, disease prevalence and penetrance estimates, and inheritance mode, an automated score was calculated to assess if this variant is too frequent to cause the disease. Based on the score and internal cut-off values, a variant classified as likely benign is not then subjected to further curation. The score for this variant resulted in a classification of likely benign for this disease.